The following is an entry in ClinVar:

NM_003235.5(TG):c.7326C>A (p.Cys2442Ter)

Genes: SLA (Src like adaptor; minus strand), TG (thyroglobulin; plus strand). Cytogenetic location: 8q24.22.
Variant type: single nucleotide variant.
Coding change: c.7326C>A on transcript NM_003235.5 (MANE Select); coding-DNA position 7326, C replaced by A.
Protein change: p.Cys2442Ter; replaces cysteine 2442 with a stop codon.
Molecular consequence: nonsense. On other transcripts: intron variant (4).
Genome position (GRCh38, 1-based): chr8:133,095,130, C>A. VCF-style: chr8-133095130-C-A. GRCh37 (hg19) VCF-style: chr8-134107374-C-A.
Other names: c.-264+7423G>T (NM_001282965.2); c.11+7423G>T (NM_001282964.2, NM_001045557.3); c.-319+7423G>T (NM_001045556.3); short protein forms C2442*.
Identifiers: ClinVar variation 3693483 (VCV003693483.2).
Genomic context (GRCh38, chr8:133,095,130, plus strand): 5'-CGTCATCAGCCATGAGAGGGCTCAGCAGCAGGCAATTGCTTTGGCAAAGGAGGTCAGTTG[C>A]CCCATGTCATCCAGCCAAGAAGTGGTGTCCTGCCTCCGCCAGAAGCCTGCCAATGTCCTC-3'

ClinVar aggregate classification (germline): Pathogenic (1 of 4 stars; one submission).

Submission:

Labcorp Genetics (formerly Invitae), Labcorp
Classification: Pathogenic. Last evaluated: 2024-02-11. Review status: criteria provided, single submitter. Criteria: Invitae Variant Classification Sherloc (09022015). Collection method: clinical testing. Allele origin: germline.
Comment: This sequence change creates a premature translational stop signal (p.Cys2442*) in the TG gene. It is expected to result in an absent or disrupted protein product. Loss-of-function variants in TG are known to be pathogenic (PMID: 19837936, 23164529). This variant is not present in population databases (gnomAD no frequency). This variant has not been reported in the literature in individuals affected with TG-related conditions. For these reasons, this variant has been classified as Pathogenic.

Literature cited by the submitters: PubMed 19837936; PubMed 23164529.